The following is an entry in ClinVar:

ClinVar aggregate classification (germline): Uncertain significance. Review status: criteria provided, multiple submitters, no conflicts (2 of 4 stars). 2 submissions from 2 submitters: Uncertain significance (2). Last evaluated 2021-02-04.

Conditions:
Autosomal dominant nocturnal frontal lobe epilepsy 5. Also called: Epilepsy, nocturnal frontal lobe, 5; CILIARY DYSKINESIA, PRIMARY, 28, WITHOUT SITUS INVERSUS; CILIARY DYSKINESIA, PRIMARY, 28, WITH SITUS INVERSUS; KCNT1-Related Epilepsy. Identifiers: Orphanet 98784, MedGen C3554306, MONDO:0014002, OMIM 615005.
Developmental and epileptic encephalopathy, 14 (DEE14). Also called: Early infantile epileptic encephalopathy 14. Identifiers: Orphanet 293181, MedGen C3554195, MONDO:0013989, OMIM 614959.
Inborn genetic diseases. Identifiers: MedGen C0950123, MeSH D030342.

Allele frequency attached by ClinVar (database versions not stated): gnomAD exomes below 0.00001; ExAC 0.00001; gnomAD 0.00001; TOPMed 0.00001.
gnomAD v4.1: 3 of 1,607,220 alleles (0.00019%); highest among the groups gnomAD compares: African/African-American, 0.0027%; no homozygotes.

Submissions (2):

Labcorp Genetics (formerly Invitae), Labcorp
Classification: Uncertain significance for Autosomal dominant nocturnal frontal lobe epilepsy 5; Developmental and epileptic encephalopathy, 14. Last evaluated: 2021-02-04. Review status: criteria provided, single submitter. Criteria: Invitae Variant Classification Sherloc (09022015). Collection method: clinical testing. Allele origin: germline.
Comment: In summary, the available evidence is currently insufficient to determine the role of this variant in disease. Therefore, it has been classified as a Variant of Uncertain Significance. Nucleotide substitutions within the consensus splice site are a relatively common cause of aberrant splicing (PMID: 17576681, 9536098). Algorithms developed to predict the effect of sequence changes on RNA splicing suggest that this variant may disrupt the consensus splice site, but this prediction has not been confirmed by published transcriptional studies. This variant has not been reported in the literature in individuals with KCNT1-related conditions. This variant is present in population databases (rs745399878, ExAC 0.009%). This sequence change falls in intron 20 of the KCNT1 gene. It does not directly change the encoded amino acid sequence of the KCNT1 protein. It affects a nucleotide within the consensus splice site of the intron.

Ambry Genetics
Classification: Uncertain significance for Inborn genetic diseases. Last evaluated: 2019-01-08. Review status: criteria provided, single submitter. Criteria: Ambry Variant Classification Scheme 2023. Collection method: clinical testing. Allele origin: germline.
Comment: The c.2349+4A>G intronic variant results from an A to G substitution 4 nucleotides after coding exon 20 in the KCNT1 gene. This nucleotide position is not well conserved in available vertebrate species. Using the BDGP and ESEfinder splice site prediction tools, this alteration is not predicted to have any significant effect on this splice donor site; however, direct evidence is unavailable. Since supporting evidence is limited at this time, the clinical significance of this alteration remains unclear.

Literature cited by the submitters: PubMed 17576681 (cited by Labcorp Genetics (formerly Invitae), Labcorp); PubMed 9536098 (cited by Labcorp Genetics (formerly Invitae), Labcorp).

NM_020822.3(KCNT1):c.2349+4A>G

Gene: KCNT1 (potassium sodium-activated channel subfamily T member 1; plus strand). Cytogenetic location: 9q34.3.
Variant type: single nucleotide variant.
Coding change: c.2349+4A>G on transcript NM_020822.3 (MANE Select); 4 bases into the intron after coding-DNA position 2349, A replaced by G.
Molecular consequence: intron variant.
Genome position (GRCh38, 1-based): chr9:135,775,419, A>G. VCF-style: chr9-135775419-A-G. GRCh37 (hg19) VCF-style: chr9-138667265-A-G.
Other names: c.2214+4A>G (NM_001272003.2).
Identifiers: ClinVar variation 1348913 (VCV001348913.8), dbSNP rs745399878, ClinGen allele CA5327261.